The following is an entry in ClinVar:

ClinVar aggregate classification (germline): Uncertain significance (1 of 4 stars; one submission).

Conditions:
Acrocallosal syndrome (ACLS). Also called: Schinzel syndrome 1; Absence of corpus callosum with unusual facial appearance, mental deficiency, duplication of the halluces and polydactyly; HALLUX DUPLICATION, POSTAXIAL POLYDACTYLY, AND ABSENCE OF CORPUS CALLOSUM. Identifiers: Orphanet 36, MedGen C0796147, MONDO:0008708, OMIM 200990.

gnomAD v4.1: 2 of 1,610,620 alleles (0.00012%); highest among the groups gnomAD compares: Non-Finnish European, 0.00017%; no homozygotes.

Submission:

Labcorp Genetics (formerly Invitae), Labcorp
Classification: Uncertain significance for Acrocallosal syndrome. Last evaluated: 2022-08-22. Review status: criteria provided, single submitter. Criteria: Invitae Variant Classification Sherloc (09022015). Collection method: clinical testing. Allele origin: germline.
Comment: Algorithms developed to predict the effect of missense changes on protein structure and function (SIFT, PolyPhen-2, Align-GVGD) all suggest that this variant is likely to be tolerated. This variant has not been reported in the literature in individuals affected with KIF7-related conditions. This variant is not present in population databases (gnomAD no frequency). This sequence change replaces glycine, which is neutral and non-polar, with arginine, which is basic and polar, at codon 933 of the KIF7 protein (p.Gly933Arg). In summary, the available evidence is currently insufficient to determine the role of this variant in disease. Therefore, it has been classified as a Variant of Uncertain Significance.

NM_198525.3(KIF7):c.2797G>A (p.Gly933Arg)

Gene: KIF7 (kinesin family member 7; minus strand). Cytogenetic location: 15q26.1.
Variant type: single nucleotide variant.
Coding change: c.2797G>A on transcript NM_198525.3 (MANE Select); coding-DNA position 2797, G replaced by A.
Protein change: p.Gly933Arg; replaces glycine 933 with arginine.
Molecular consequence: missense variant.
Genome position (GRCh38, 1-based): chr15:89,632,918, C>T on the plus strand (G>A on the coding strand, the complement: KIF7 is on the minus strand). VCF-style: chr15-89632918-C-T. GRCh37 (hg19) VCF-style: chr15-90176149-C-T.
Other names: short protein forms G933R.
Identifiers: ClinVar variation 2116092 (VCV002116092.4), dbSNP rs2505432963, ClinGen allele CA393758266.
Genomic context (GRCh38, chr15:89,632,918, plus strand): 5'-TCTCCTGCATCAGGGCCTCCTTCTTGGCCAGGATGGCCTCCCGCTTGTGGAGCTCCTCCC[C>T]CAGCTCCTCCAGCGCCCGCCGCTGCTGTAGCACCTTCTCCATCTCCTGGTCCAGCCACTT-3'
Protein context (NP_940927.2, residues 923-943): LQQRRALEEL[Gly933Arg]EELHKREAIL